The following is an entry in ClinVar:

ClinVar aggregate classification (germline): Uncertain significance (1 of 4 stars; one submission).

Submission:

Labcorp Genetics (formerly Invitae), Labcorp
Classification: Uncertain significance. Last evaluated: 2024-12-23. Review status: criteria provided, single submitter. Criteria: Invitae Variant Classification Sherloc (09022015). Collection method: clinical testing. Allele origin: germline.
Comment: This sequence change replaces glutamine, which is neutral and polar, with histidine, which is basic and polar, at codon 12 of the GNAS protein (p.Gln12His). This variant is not present in population databases (gnomAD no frequency). This variant has not been reported in the literature in individuals affected with GNAS-related conditions. An algorithm developed to predict the effect of missense changes on protein structure and function (PolyPhen-2) suggests that this variant is likely to be disruptive. In summary, the available evidence is currently insufficient to determine the role of this variant in disease. Therefore, it has been classified as a Variant of Uncertain Significance.

NM_000516.7(GNAS):c.36G>C (p.Gln12His)

Gene: GNAS (GNAS complex locus; plus strand). Cytogenetic location: 20q13.32.
Variant type: single nucleotide variant.
Coding change: c.36G>C on transcript NM_000516.7 (MANE Select); coding-DNA position 36, G replaced by C.
Protein change: p.Gln12His; replaces glutamine 12 with histidine.
Molecular consequence: missense variant. On other transcripts: intron variant (8).
Genome position (GRCh38, 1-based): chr20:58,891,762, G>C. VCF-style: chr20-58891762-G-C. GRCh37 (hg19) VCF-style: chr20-57466817-G-C.
Other names: c.36G>C, p.Gln12His (NM_001077488.5, NM_001077489.4, NM_001309842.2 and 1 more transcripts); c.*43-3850G>C (NM_016592.5); c.44-3850G>C (NM_001410912.1); c.-38-3850G>C (NM_001309861.2); c.*1-3850G>C (NM_001077490.3); c.2069-3850G>C (NM_080425.4, NM_001410913.1); c.*159-3850G>C (NM_001309883.1); c.-39+2409G>C (NM_001309840.2); short protein forms Q12H.
Identifiers: ClinVar variation 3727786 (VCV003727786.2).